The following is an entry in ClinVar:

ClinVar aggregate classification (germline): Uncertain significance. Review status: criteria provided, multiple submitters, no conflicts (2 of 4 stars). 2 submissions from 2 submitters: Uncertain significance (2). Last evaluated 2022-02-19.

gnomAD v4.1: 3 of 1,614,168 alleles (0.00019%); highest among the groups gnomAD compares: Admixed American, 0.0017%; no homozygotes.

Submissions (2):

Labcorp Genetics (formerly Invitae), Labcorp
Classification: Uncertain significance. Last evaluated: 2022-02-19. Review status: criteria provided, single submitter. Criteria: Invitae Variant Classification Sherloc (09022015). Collection method: clinical testing. Allele origin: germline.
Comment: Algorithms developed to predict the effect of missense changes on protein structure and function (SIFT, PolyPhen-2, Align-GVGD) all suggest that this variant is likely to be tolerated. In summary, the available evidence is currently insufficient to determine the role of this variant in disease. Therefore, it has been classified as a Variant of Uncertain Significance. Algorithms developed to predict the effect of sequence changes on RNA splicing suggest that this variant may disrupt the consensus splice site. This variant has not been reported in the literature in individuals affected with RUSC2-related conditions. This variant is not present in population databases (gnomAD no frequency). This sequence change replaces serine, which is neutral and polar, with arginine, which is basic and polar, at codon 937 of the RUSC2 protein (p.Ser937Arg).

Ambry Genetics
Classification: Uncertain significance. Last evaluated: 2021-07-21. Review status: criteria provided, single submitter. Criteria: Ambry Variant Classification Scheme 2023. Collection method: clinical testing. Allele origin: germline.

NM_014806.5(RUSC2):c.2811T>G (p.Ser937Arg)

Gene: RUSC2 (RUN and SH3 domain containing 2; plus strand). Cytogenetic location: 9p13.3.
Variant type: single nucleotide variant.
Coding change: c.2811T>G on transcript NM_014806.5 (MANE Select); coding-DNA position 2811, T replaced by G.
Protein change: p.Ser937Arg; replaces serine 937 with arginine.
Molecular consequence: missense variant. On other transcripts: non-coding transcript variant (1).
Genome position (GRCh38, 1-based): chr9:35,556,106, T>G. VCF-style: chr9-35556106-T-G. GRCh37 (hg19) VCF-style: chr9-35556103-T-G.
Other names: c.2811T>G, p.Ser937Arg (NM_001135999.2); c.177T>G, p.Ser59Arg (NM_001330740.2); short protein forms S937R, S59R.
Identifiers: ClinVar variation 1904161 (VCV001904161.6), dbSNP rs1822011955, ClinGen allele CA373345117.